The following is an entry in ClinVar:

NM_006231.4(POLE):c.2027-2A>G

Gene: POLE (DNA polymerase epsilon, catalytic subunit; minus strand). Cytogenetic location: 12q24.33.
Variant type: single nucleotide variant.
Coding change: c.2027-2A>G on transcript NM_006231.4 (MANE Select); the canonical splice acceptor site of the intron before coding-DNA position 2027, A replaced by G.
Molecular consequence: splice acceptor variant.
Genome position (GRCh38, 1-based): chr12:132,668,504, T>C on the plus strand (A>G on the coding strand, the complement: POLE is on the minus strand). VCF-style: chr12-132668504-T-C. GRCh37 (hg19) VCF-style: chr12-133245090-T-C.
Identifiers: ClinVar variation 4862228 (VCV004862228.1).
Genomic context (GRCh38, chr12:132,668,504, plus strand): 5'-GAACTTCTCTGACTCCAGCTGGTGCTGGATCCGATGGTATTCGCTGCGACTGGCTGGCAC[T>C]GGGAAGGAGGCAATGGGGGCAAGTTCAAAAGGAGGCACAGACACACCGGCTTCCCACCAA-3'

ClinVar aggregate classification (germline): Uncertain significance (1 of 4 stars; one submission).

Conditions:
Hereditary cancer-predisposing syndrome. Also called: Neoplastic Syndromes, Hereditary; Tumor predisposition; Hereditary Cancer Syndrome; Hereditary neoplastic syndrome. Identifiers: Orphanet 140162, MedGen C0027672, MeSH D009386, MONDO:0015356.

gnomAD v4.1: 6 of 1,588,020 alleles (0.00038%); highest among the groups gnomAD compares: Admixed American, 0.0017%; no homozygotes.

Submission:

Ambry Genetics
Classification: Uncertain significance for Hereditary cancer-predisposing syndrome. Last evaluated: 2026-04-10. Review status: criteria provided, single submitter. Criteria: Ambry Variant Classification Scheme 2023. Collection method: clinical testing. Allele origin: germline.
Comment: The c.2027-2A>G intronic variant results from an A to G substitution two nucleotides upstream from coding exon 19 in the POLE gene. Variants that disrupt the canonical splice site are expected to result in aberrant splicing. In silico splice site analysis predicts that this alteration will weaken the native splice acceptor site and will result in the creation or strengthening of a novel splice acceptor site. A resulting transcript is predicted to be in-frame and is not expected to trigger nonsense-mediated mRNA decay. RNA studies have demonstrated that this variant results in a transcript predicted to lead to a protein with an in-frame deletion of three and insertion of one amino acid(s); however, the exact functional impact of the deleted/inserted amino acid(s) is unknown at this time (Ambry internal data). This nucleotide position is highly conserved in available vertebrate species. Based on the available evidence, the clinical significance of this variant remains unclear.